The following is an entry in ClinVar:

ClinVar aggregate classification (germline): Uncertain significance. Review status: criteria provided, multiple submitters, no conflicts (2 of 4 stars). 2 submissions from 2 submitters: Uncertain significance (2). Last evaluated 2025-08-29.

Conditions:
Autosomal dominant osteopetrosis 1 (OPTA1). Also called: OSTEOPETROSIS, AUTOSOMAL DOMINANT, TYPE I. Identifiers: Orphanet 2783, MedGen C1843330, MONDO:0011877, OMIM 607634.
Polycystic liver disease 4 with or without kidney cysts. Identifiers: MedGen C4693479, MONDO:0044327, OMIM 617875.
Exudative vitreoretinopathy 4 (EVR4). Identifiers: Orphanet 891, MedGen C1866176, MONDO:0011151, OMIM 601813.
Osteoporosis with pseudoglioma (OPPG). Also called: osteoporosis-pseudoglioma syndrome. Identifiers: Orphanet 2788, MedGen C0432252, MONDO:0009820, OMIM 259770.
Bone mineral density quantitative trait locus 1 (BMND1). Identifiers: MedGen C1866079, OMIM 601884.
Worth disease. Also called: Autosomal dominant osteosclerosis, Worth type; ENDOSTEAL HYPEROSTOSIS, AUTOSOMAL DOMINANT; OSTEOSCLEROSIS, AUTOSOMAL DOMINANT. Identifiers: Orphanet 2790, MedGen C0432273, MONDO:0007764, OMIM 144750.

Allele frequency attached by ClinVar (database versions not stated): gnomAD 0.00001; gnomAD exomes 0.00001 and 0.00003; TOPMed 0.00001.
gnomAD v4.1: 39 of 1,612,478 alleles (0.0024%); highest among the groups gnomAD compares: Non-Finnish European, 0.0027%; no homozygotes.

Submissions (2):

Labcorp Genetics (formerly Invitae), Labcorp
Classification: Uncertain significance. Last evaluated: 2025-08-29. Review status: criteria provided, single submitter. Criteria: Invitae Variant Classification Sherloc (09022015). Collection method: clinical testing. Allele origin: germline.
Comment: This sequence change replaces aspartic acid, which is acidic and polar, with asparagine, which is neutral and polar, at codon 1318 of the LRP5 protein (p.Asp1318Asn). This variant is present in population databases (rs541726127, gnomAD 0.005%). This variant has not been reported in the literature in individuals affected with LRP5-related conditions. ClinVar contains an entry for this variant (Variation ID: 1518115). Invitae Evidence Modeling of protein sequence and biophysical properties (such as structural, functional, and spatial information, amino acid conservation, physicochemical variation, residue mobility, and thermodynamic stability) indicates that this missense variant is not expected to disrupt LRP5 protein function with a negative predictive value of 95%. In summary, the available evidence is currently insufficient to determine the role of this variant in disease. Therefore, it has been classified as a Variant of Uncertain Significance.

Fulgent Genetics
Classification: Uncertain significance for Worth disease; Osteoporosis with pseudoglioma; Exudative vitreoretinopathy 4; Bone mineral density quantitative trait locus 1; Autosomal dominant osteopetrosis 1; Polycystic liver disease 4 with or without kidney cysts. Last evaluated: 2024-01-08. Review status: criteria provided, single submitter. Criteria: ACMG Guidelines, 2015. Collection method: clinical testing. Allele origin: germline.

NM_002335.4(LRP5):c.3952G>A (p.Asp1318Asn)

Gene: LRP5 (LDL receptor related protein 5; plus strand). Cytogenetic location: 11q13.2.
Variant type: single nucleotide variant.
Coding change: c.3952G>A on transcript NM_002335.4 (MANE Select); coding-DNA position 3952, G replaced by A.
Protein change: p.Asp1318Asn; replaces aspartic acid 1318 with asparagine.
Molecular consequence: missense variant.
Genome position (GRCh38, 1-based): chr11:68,433,790, G>A. VCF-style: chr11-68433790-G-A. GRCh37 (hg19) VCF-style: chr11-68201258-G-A.
Other names: c.2209G>A, p.Asp737Asn (NM_001291902.2); short protein forms D737N, D1318N.
Identifiers: ClinVar variation 1518115 (VCV001518115.9), dbSNP rs541726127, ClinGen allele CA224251082.